The following is an entry in ClinVar:

NM_012471.3(TRPC5):c.1434G>A (p.Ala478=)

Gene: TRPC5 (transient receptor potential cation channel subfamily C member 5; minus strand). Cytogenetic location: Xq23.
Variant type: single nucleotide variant.
Coding change: c.1434G>A on transcript NM_012471.3 (MANE Select); coding-DNA position 1434, G replaced by A.
Protein change: p.Ala478=; no amino-acid change (alanine 478 retained).
Molecular consequence: synonymous variant.
Genome position (GRCh38, 1-based): chrX:111,847,380, C>T on the plus strand (G>A on the coding strand, the complement: TRPC5 is on the minus strand). VCF-style: chrX-111847380-C-T. GRCh37 (hg19) VCF-style: chrX-111090608-C-T.
Identifiers: ClinVar variation 3029927 (VCV003029927.2), dbSNP rs151101941, ClinGen allele CA10494298.

ClinVar aggregate classification (germline): Likely benign (0 of 4 stars; one submission).

Conditions:
TRPC5-related disorder. Also called: TRPC5-related condition.

Allele frequency attached by ClinVar (database versions not stated): gnomAD 0.00003; TOPMed 0.00005; gnomAD exomes 0.00007; ExAC 0.00010; ESP Exome Variant Server 0.00028.
gnomAD v4.1: 78 of 1,209,517 alleles (0.0064%); highest among the groups gnomAD compares: Middle Eastern, 0.023%; no homozygotes.

Submission:

PreventionGenetics, part of Exact Sciences
Classification: Likely benign for TRPC5-related condition. Last evaluated: 2023-07-10. Review status: no assertion criteria provided. Collection method: clinical testing. Allele origin: germline.
Comment: This variant is classified as likely benign based on ACMG/AMP sequence variant interpretation guidelines (Richards et al. 2015 PMID: 25741868, with internal and published modifications).